The following is an entry in ClinVar:

ClinVar aggregate classification (germline): Uncertain significance (1 of 4 stars; one submission).

Conditions:
Short-rib thoracic dysplasia 6 with or without polydactyly (SRTD6). Also called: Majewski Syndrome; POLYDACTYLY WITH NEONATAL CHONDRODYSTROPHY, TYPE II; SHORT RIB-POLYDACTYLY SYNDROME, TYPE IIA; SHORT-RIB THORACIC DYSPLASIA 6 WITH POLYDACTYLY; SHORT-RIB THORACIC DYSPLASIA 6 WITHOUT POLYDACTYLY. Identifiers: MedGen C0024507, MONDO:0009894, OMIM 263520.

Submission:

Labcorp Genetics (formerly Invitae), Labcorp
Classification: Uncertain significance for Short-rib thoracic dysplasia 6 with or without polydactyly. Last evaluated: 2021-10-18. Review status: criteria provided, single submitter. Criteria: Invitae Variant Classification Sherloc (09022015). Collection method: clinical testing. Allele origin: germline.
Comment: This sequence change replaces serine with asparagine at codon 914 of the NEK1 protein (p.Ser914Asn). The serine residue is highly conserved and there is a small physicochemical difference between serine and asparagine. This variant is not present in population databases (ExAC no frequency). This variant has not been reported in the literature in individuals affected with NEK1-related conditions. Advanced modeling of protein sequence and biophysical properties (such as structural, functional, and spatial information, amino acid conservation, physicochemical variation, residue mobility, and thermodynamic stability) performed at Invitae indicates that this missense variant is not expected to disrupt NEK1 protein function. In summary, the available evidence is currently insufficient to determine the role of this variant in disease. Therefore, it has been classified as a Variant of Uncertain Significance.

NM_001199397.3(NEK1):c.2825G>A (p.Ser942Asn)

Gene: NEK1 (NIMA related kinase 1; minus strand). Cytogenetic location: 4q33.
Variant type: single nucleotide variant.
Coding change: c.2825G>A on transcript NM_001199397.3 (MANE Select); coding-DNA position 2825, G replaced by A.
Protein change: p.Ser942Asn; replaces serine 942 with asparagine.
Molecular consequence: missense variant. On other transcripts: non-coding transcript variant (1).
Genome position (GRCh38, 1-based): chr4:169,433,605, C>T on the plus strand (G>A on the coding strand, the complement: NEK1 is on the minus strand). VCF-style: chr4-169433605-C-T. GRCh37 (hg19) VCF-style: chr4-170354756-C-T.
Other names: c.2693G>A, p.Ser898Asn (NM_001199398.3); c.2534G>A, p.Ser845Asn (NM_001199399.3); c.2609G>A, p.Ser870Asn (NM_001199400.3); c.2825G>A, p.Ser942Asn (NM_001374418.1); c.2741G>A, p.Ser914Asn (NM_001374419.1, NM_012224.4); c.2690G>A, p.Ser897Asn (NM_001374420.1); c.2342G>A, p.Ser781Asn (NM_001374421.1); short protein forms S781N, S898N, S897N, S845N, S870N, S914N, S942N.
Identifiers: ClinVar variation 1354636 (VCV001354636.1), dbSNP rs2149410432, ClinGen allele CA358802004.